The following is an entry in ClinVar:

ClinVar aggregate classification (germline): Conflicting classifications of pathogenicity. Review status: criteria provided, conflicting classifications (1 of 4 stars). 4 submissions from 4 submitters: Uncertain significance (3); Likely benign (1). Last evaluated 2025-03-17.

Conditions:
NSD1-related disorder. Also called: NSD1-related condition.
Sotos syndrome (SOTOS). Also called: Distinctive facial appearance, overgrowth in childhood, and learning disabilities or delayed development; CEREBRAL GIGANTISM; Sotos' syndrome; CHROMOSOME 5q35 DELETION SYNDROME; SOTOS SYNDROME 1. Identifiers: Orphanet 821, MedGen C0175695, MONDO:0019349, OMIM 117550.

Allele frequency attached by ClinVar (database versions not stated): gnomAD exomes below 0.00001; ExAC 0.00001; 1000 Genomes Project 0.00020; TOPMed 0.00001; gnomAD 0.00003; 1000 Genomes Project 30x 0.00016.
gnomAD v4.1: 9 of 1,613,986 alleles (0.00056%); highest among the groups gnomAD compares: Admixed American, 0.0067%; no homozygotes.

Submissions (4):

PreventionGenetics, part of Exact Sciences
Classification: Uncertain significance for NSD1-related condition. Last evaluated: 2025-03-17. Review status: criteria provided, single submitter. Criteria: ACMG Guidelines, 2015. Collection method: clinical testing. Allele origin: germline.
Comment: The NSD1 c.7531G>C variant is predicted to result in the amino acid substitution p.Asp2511His. To our knowledge, this variant has not been reported in the literature. This variant is reported in 0.0065% of alleles in individuals of European (Non-Finnish) descent in gnomAD. At this time, the clinical significance of this variant is uncertain due to the absence of conclusive functional and genetic evidence.

Labcorp Genetics (formerly Invitae), Labcorp
Classification: Likely benign. Last evaluated: 2022-02-24. Review status: criteria provided, single submitter. Criteria: Invitae Variant Classification Sherloc (09022015). Collection method: clinical testing. Allele origin: germline.

Genome-Nilou Lab
Classification: Uncertain significance for Sotos syndrome. Last evaluated: 2021-07-15. Review status: criteria provided, single submitter. Criteria: ACMG Guidelines, 2015. Collection method: clinical testing. Allele origin: germline. Affected: no.

Center for Human Genetics, Inc
Classification: Uncertain significance. Last evaluated: 2016-11-01. Review status: criteria provided, single submitter. Criteria: ACMG Guidelines, 2015. Collection method: clinical testing. Allele origin: germline. Affected: yes.

NM_022455.5(NSD1):c.7531G>C (p.Asp2511His)

Gene: NSD1 (nuclear receptor binding SET domain protein 1; plus strand). Cytogenetic location: 5q35.3.
Variant type: single nucleotide variant.
Coding change: c.7531G>C on transcript NM_022455.5 (MANE Select); coding-DNA position 7531, G replaced by C.
Protein change: p.Asp2511His; replaces aspartic acid 2511 with histidine.
Molecular consequence: missense variant.
Genome position (GRCh38, 1-based): chr5:177,294,899, G>C. VCF-style: chr5-177294899-G-C. GRCh37 (hg19) VCF-style: chr5-176721900-G-C.
Other names: c.6658G>C, p.Asp2220His (NM_001365684.2, NM_001409308.1, NM_172349.5); c.7531G>C, p.Asp2511His (NM_001409301.1, NM_001409302.1, NM_001409303.1); c.7111G>C, p.Asp2371His (NM_001409304.1); c.6778G>C, p.Asp2260His (NM_001409305.1); c.6769G>C, p.Asp2257His (NM_001409306.1, NM_001409307.1); c.6409G>C, p.Asp2137His (NM_001409309.1); short protein forms D2511H, D2242H, D2220H, D2371H, D2260H, D2137H, D2257H.
Identifiers: ClinVar variation 547729 (VCV000547729.12), dbSNP rs575229932, ClinGen allele CA3578150.